The following is an entry in ClinVar:

ClinVar aggregate classification (germline): Likely benign (0 of 4 stars; one submission).

Conditions:
SDCCAG8-related disorder. Also called: SDCCAG8-Related Disorders; SDCCAG8-related condition.

Submission:

PreventionGenetics, part of Exact Sciences
Classification: Likely benign for SDCCAG8-related condition. Last evaluated: 2022-12-29. Review status: no assertion criteria provided. Collection method: clinical testing. Allele origin: germline.
Comment: This variant is classified as likely benign based on ACMG/AMP sequence variant interpretation guidelines (Richards et al. 2015 PMID: 25741868, with internal and published modifications).

NM_006642.5(SDCCAG8):c.740+355C>G

Gene: SDCCAG8 (SHH signaling and ciliogenesis regulator SDCCAG8; plus strand). Cytogenetic location: 1q43.
Variant type: single nucleotide variant.
Coding change: c.740+355C>G on transcript NM_006642.5 (MANE Select); 355 bases into the intron after coding-DNA position 740, C replaced by G.
Molecular consequence: intron variant. On other transcripts: 5 prime UTR variant (1).
Genome position (GRCh38, 1-based): chr1:243,305,132, C>G. VCF-style: chr1-243305132-C-G. GRCh37 (hg19) VCF-style: chr1-243468434-C-G.
Other names: c.-417C>G (NM_001350251.2); c.446+355C>G (NM_001350249.2); c.836+355C>G (NM_001350248.2); c.-261+9C>G (NM_001350246.2); c.-261+355C>G (NM_001350247.2).
Identifiers: ClinVar variation 3035024 (VCV003035024.2), dbSNP rs2547879474, ClinGen allele CA2651302452.
Genomic context (GRCh38, chr1:243,305,132, plus strand): 5'-TGAAGCGGGCGAATCACGAGGTCAAGAGATTGAGACCATCCTGGCCAACATGGTGAAACC[C>G]CGTTTCTACTAAAAATACAAAAATTAGCTGGGCCTGGTAGCACGTGCCTGTAGTCCCAGC-3'